The following is an entry in ClinVar:

ClinVar aggregate classification (germline): Uncertain significance (1 of 4 stars; one submission).

Conditions:
Intellectual developmental disorder, autosomal recessive 68. Also called: MENTAL RETARDATION, AUTOSOMAL RECESSIVE 68. Identifiers: MedGen C4749033, MONDO:0032665, OMIM 618302.

Allele frequency attached by ClinVar (database versions not stated): TOPMed 0.00023.
gnomAD v4.1: 467 of 1,611,800 alleles (0.029%); highest among the groups gnomAD compares: Non-Finnish European, 0.037%; no homozygotes.

Submission:

Baylor Genetics
Classification: Uncertain significance for Intellectual developmental disorder, autosomal recessive 68. Last evaluated: 2020-03-19. Review status: criteria provided, single submitter. Criteria: ACMG Guidelines, 2015. Collection method: clinical testing. Allele origin: unknown. Affected: yes.
Comment: This variant was determined to be of uncertain significance according to ACMG Guidelines, 2015 [PMID:25741868].

NM_001136035.4(TRMT1):c.1019+9G>C

Gene: TRMT1 (tRNA methyltransferase 1; minus strand). Cytogenetic location: 19p13.13.
Variant type: single nucleotide variant.
Coding change: c.1019+9G>C on transcript NM_001136035.4 (MANE Select); 9 bases into the intron after coding-DNA position 1019, G replaced by C.
Molecular consequence: intron variant.
Genome position (GRCh38, 1-based): chr19:13,110,149, C>G on the plus strand (G>C on the coding strand, the complement: TRMT1 is on the minus strand). VCF-style: chr19-13110149-C-G. GRCh37 (hg19) VCF-style: chr19-13220963-C-G.
Other names: c.911+9G>C (NM_001351761.2); c.1019+9G>C (NM_001351760.2, NM_001142554.3, NM_017722.5); c.236+9G>C (NM_001351762.2).
Identifiers: ClinVar variation 1029137 (VCV001029137.1), dbSNP rs375881785, ClinGen allele CA9237844.
Genomic context (GRCh38, chr19:13,110,149, plus strand): 5'-CCCAGATCCCCCAGGGCAAGGTCCTGTCTCCTCTCTCAATCCACCACCGCTCTCTGCCCC[C>G]GGGCTGACCTGGCTGAGGCCTTGACCTTGGCCTGGCCGGTGAAGACACGGACAAAAACAC-3'